The following is an entry in ClinVar:

NM_001374736.1(DST):c.18821G>A (p.Arg6274His)

Gene: DST (dystonin; minus strand). Cytogenetic location: 6p12.1.
Variant type: single nucleotide variant.
Coding change: c.18821G>A on transcript NM_001374736.1 (MANE Select); coding-DNA position 18821, G replaced by A.
Protein change: p.Arg6274His; replaces arginine 6274 with histidine.
Molecular consequence: missense variant.
Genome position (GRCh38, 1-based): chr6:56,509,833, C>T on the plus strand (G>A on the coding strand, the complement: DST is on the minus strand). VCF-style: chr6-56509833-C-T. GRCh37 (hg19) VCF-style: chr6-56374631-C-T.
Other names: c.12464G>A, p.Arg4155His (NM_001144769.5); c.12050G>A, p.Arg4017His (NM_001144770.2); c.18821G>A, p.Arg6274His (NM_001374722.1); c.17861G>A, p.Arg5954His (NM_001374729.1); c.11603G>A, p.Arg3868His (NM_001374730.1); c.18848G>A, p.Arg6283His (NM_001374734.1); c.11930G>A, p.Arg3977His (NM_001386100.1, NM_183380.4); c.10952G>A, p.Arg3651His (NM_015548.5); short protein forms R5954H, R6283H, R3868H, R4017H, R4155H, R3651H, R3977H, R6274H.
Identifiers: ClinVar variation 1759516 (VCV001759516.2), dbSNP rs1433627829, ClinGen allele CA364524347.

ClinVar aggregate classification (germline): Uncertain significance (1 of 4 stars; one submission).

Conditions:
Inborn genetic diseases. Identifiers: MedGen C0950123, MeSH D030342.

Allele frequency attached by ClinVar (database versions not stated): gnomAD exomes below 0.00001.
gnomAD v4.1: 5 of 1,613,288 alleles (0.00031%); highest among the groups gnomAD compares: South Asian, 0.0022%; no homozygotes.

Submission:

Ambry Genetics
Classification: Uncertain significance for Inborn genetic diseases. Last evaluated: 2020-12-24. Review status: criteria provided, single submitter. Criteria: Ambry Variant Classification Scheme 2023. Collection method: clinical testing. Allele origin: germline.
Comment: The p.R4155H variant (also known as c.12464G>A), located in coding exon 68 of the DST gene, results from a G to A substitution at nucleotide position 12464. The arginine at codon 4155 is replaced by histidine, an amino acid with highly similar properties. This amino acid position is highly conserved in available vertebrate species. In addition, the in silico prediction for this alteration is inconclusive. Since supporting evidence is limited at this time, the clinical significance of this alteration remains unclear.